The following is an entry in ClinVar:

NM_000038.6(APC):c.1180C>A (p.Gln394Lys)

Gene: APC (APC regulator of Wnt signaling pathway; plus strand). Cytogenetic location: 5q22.2.
Variant type: single nucleotide variant.
Coding change: c.1180C>A on transcript NM_000038.6 (MANE Select); coding-DNA position 1180, C replaced by A.
Protein change: p.Gln394Lys; replaces glutamine 394 with lysine.
Molecular consequence: missense variant. On other transcripts: intron variant (4).
Genome position (GRCh38, 1-based): chr5:112,819,212, C>A. VCF-style: chr5-112819212-C-A. GRCh37 (hg19) VCF-style: chr5-112154909-C-A.
Other names: c.1126C>A, p.Gln376Lys (NM_001127511.3); c.1180C>A, p.Gln394Lys (NM_001354895.2, NM_001354896.2, NM_001127510.3); c.1210C>A, p.Gln404Lys (NM_001354897.2); c.1105C>A, p.Gln369Lys (NM_001354898.2); c.1096C>A, p.Gln366Lys (NM_001354899.2); c.1003C>A, p.Gln335Lys (NM_001354900.2, NM_001354901.2); c.331C>A, p.Gln111Lys (NM_001354906.2); c.964-57C>A (NM_001354902.2); and 4 more; short protein forms Q111K, Q335K, Q366K, Q369K, Q376K, Q394K, Q404K.
Identifiers: ClinVar variation 1025775 (VCV001025775.12), dbSNP rs770507436, ClinGen allele CA026831.
Genomic context (GRCh38, chr5:112,819,212, plus strand): 5'-CGGGGCAGTAAAGAGGCTCGGGCCAGGGCCAGTGCAGCACTCCACAACATCATTCACTCA[C>A]AGCCTGATGACAAGAGAGGCAGGCGTGAAATCCGAGTCCTTCATCTTTTGGAACAGATAC-3'
Protein context (NP_000029.2, residues 384-404): SAALHNIIHS[Gln394Lys]PDDKRGRREI

ClinVar aggregate classification (germline): Uncertain significance. Review status: criteria provided, multiple submitters, no conflicts (2 of 4 stars). 3 submissions from 3 submitters: Uncertain significance (3). Last evaluated 2026-05-03.

Conditions:
Hereditary cancer-predisposing syndrome. Also called: Hereditary neoplastic syndrome; Tumor predisposition; Neoplastic Syndromes, Hereditary; Hereditary Cancer Syndrome. Identifiers: Orphanet 140162, MedGen C0027672, MeSH D009386, MONDO:0015356.
Familial adenomatous polyposis 1 (FAP1). Also called: FAMILIAL ADENOMATOUS POLYPOSIS 1, ATTENUATED; POLYPOSIS, ADENOMATOUS INTESTINAL. Identifiers: MedGen C2713442, MONDO:0021056, OMIM 175100. Disease mechanism: loss of function.

Allele frequency attached by ClinVar (database versions not stated): ExAC 0.00001; gnomAD exomes below 0.00001.
gnomAD v4.1: 1 of 1,614,002 alleles (0.000062%); highest among the groups gnomAD compares: Non-Finnish European, 0.000085%; no homozygotes.

Submissions (3):

Women's Health and Genetics/Laboratory Corporation of America, LabCorp
Classification: Uncertain significance. Last evaluated: 2026-05-03. Review status: criteria provided, single submitter. Criteria: LabCorp Variant Classification Summary - May 2015. Collection method: clinical testing. Allele origin: germline.

Ambry Genetics
Classification: Uncertain significance for Hereditary cancer-predisposing syndrome. Last evaluated: 2023-10-12. Review status: criteria provided, single submitter. Criteria: Ambry Variant Classification Scheme 2023. Collection method: clinical testing. Allele origin: germline.
Comment: The p.Q394K variant (also known as c.1180C>A), located in coding exon 9 of the APC gene, results from a C to A substitution at nucleotide position 1180. The glutamine at codon 394 is replaced by lysine, an amino acid with similar properties. This amino acid position is conserved. In addition, in silico predictors for this gene do not accurately predict pathogenicity. Since supporting evidence is limited at this time, the clinical significance of this alteration remains unclear.

Labcorp Genetics (formerly Invitae), Labcorp
Classification: Uncertain significance for Familial adenomatous polyposis 1. Last evaluated: 2020-04-06. Review status: criteria provided, single submitter. Criteria: Invitae Variant Classification Sherloc (09022015). Collection method: clinical testing. Allele origin: germline.
Comment: In summary, the available evidence is currently insufficient to determine the role of this variant in disease. Therefore, it has been classified as a Variant of Uncertain Significance. This sequence change replaces glutamine with lysine at codon 394 of the APC protein (p.Gln394Lys). The glutamine residue is highly conserved and there is a small physicochemical difference between glutamine and lysine. This variant is present in population databases (rs770507436, ExAC 0.002%). This variant has not been reported in the literature in individuals with APC-related conditions. Algorithms developed to predict the effect of missense changes on protein structure and function (SIFT, PolyPhen-2, Align-GVGD) all suggest that this variant is likely to be tolerated, but these predictions have not been confirmed by published functional studies and their clinical significance is uncertain.